The following is an entry in ClinVar:

ClinVar aggregate classification (germline): Pathogenic (1 of 4 stars; one submission).

Conditions:
Neurodevelopmental disorder with hypotonia, stereotypic hand movements, and impaired language. Also called: Intellectual disability, autosomal dominant 20. Identifiers: Orphanet 228384, Orphanet 664410, MedGen C3150700, MONDO:0013266, OMIM 613443.

Submission:

Labcorp Genetics (formerly Invitae), Labcorp
Classification: Pathogenic for Neurodevelopmental disorder with hypotonia, stereotypic hand movements, and impaired language. Last evaluated: 2022-03-20. Review status: criteria provided, single submitter. Criteria: Invitae Variant Classification Sherloc (09022015). Collection method: clinical testing. Allele origin: germline.
Comment: For these reasons, this variant has been classified as Pathogenic. This variant has not been reported in the literature in individuals affected with MEF2C-related conditions. This variant is a gross deletion of the genomic region encompassing exon(s) 2-4 of the MEF2C gene, which includes the initiator codon. This deletion extends beyond the assayed region for this gene and therefore may encompass additional genes. It is expected to result in an absent or disrupted protein product. Loss-of-function variants in MEF2C are known to be pathogenic (PMID: 20513142).

Literature cited by the submitters: PubMed 20513142.

NC_000005.9:g.(?_88056982)_(88119605_?)del

Gene: MEF2C (myocyte enhancer factor 2C; minus strand). Cytogenetic location: 5q14.3.
Variant type: Deletion.
Identifiers: ClinVar variation 2424430 (VCV002424430.6).